The following is an entry in ClinVar:

ClinVar aggregate classification (germline): Pathogenic/Likely pathogenic. Review status: criteria provided, multiple submitters, no conflicts (2 of 4 stars). 3 submissions from 3 submitters: Pathogenic (2); Likely pathogenic (1). Last evaluated 2025-05-05.

Conditions:
Stuve-Wiedemann syndrome (STWS). Also called: Stüve-Wiedemann syndrome. Identifiers: Orphanet 3206, MedGen C0796176, MONDO:0031280.
Stüve-Wiedemann syndrome 1. Also called: STUVE-WIEDEMANN/SCHWARTZ-JAMPEL TYPE 2 SYNDROME. Identifiers: Orphanet 3206, MedGen C5676888, MONDO:0800043, OMIM 601559.

Submissions (3):

Natera, Inc.
Classification: Likely pathogenic for Stuve-Wiedemann syndrome. Last evaluated: 2025-05-05. Review status: criteria provided, single submitter. Criteria: Natera Variant Classification Schema (03/2026). Collection method: clinical testing. Allele origin: germline.
Comment: The c.1231_1234delAATG variant in LIFR is a frameshift variant predicted to shift the reading frame beginning at codon 411 and leads to a stop codon 13 codons downstream. This variant is expected to result in nonsense mediated decay, truncation, or a dysfunctional protein product. This variant is rare in the general population with a frequency below the threshold expected for the associated phenotype(s). Given the available evidence, this variant is classified as Likely Pathogenic.

Fulgent Genetics
Classification: Pathogenic for Stüve-Wiedemann syndrome 1. Last evaluated: 2024-05-07. Review status: criteria provided, single submitter. Criteria: ACMG Guidelines, 2015. Collection method: clinical testing. Allele origin: germline.

Labcorp Genetics (formerly Invitae), Labcorp
Classification: Pathogenic. Last evaluated: 2023-01-18. Review status: criteria provided, single submitter. Criteria: Invitae Variant Classification Sherloc (09022015). Collection method: clinical testing. Allele origin: germline.
Comment: This variant is not present in population databases (gnomAD no frequency). This sequence change creates a premature translational stop signal (p.Asn411Leufs*13) in the LIFR gene. It is expected to result in an absent or disrupted protein product. Loss-of-function variants in LIFR are known to be pathogenic (PMID: 14740318). For these reasons, this variant has been classified as Pathogenic. This variant is also known as 1229-1232delTGAA. This premature translational stop signal has been observed in individual(s) with clinical features of Stuve-Wiedemann syndrome (PMID: 14740318).

Literature cited by the submitters: PubMed 14740318 (cited by Labcorp Genetics (formerly Invitae), Labcorp).

NM_001127671.2(LIFR):c.1231_1234del (p.Asn411fs)

Gene: LIFR (LIF receptor subunit alpha; minus strand). Cytogenetic location: 5p13.1.
Variant type: Deletion.
Coding change: c.1231_1234del on transcript NM_001127671.2 (MANE Select); coding-DNA positions 1231 to 1234, 4 bases deleted (AATG; older notation c.1231_1234delAATG).
Protein change: p.Asn411fs; shifts the reading frame from asparagine 411.
Molecular consequence: frameshift variant.
Genome position (GRCh38, 1-based): chr5:38,505,962-38,505,965, CATT deleted on the plus strand (AATG on the coding strand, the reverse complement: LIFR is on the minus strand); deleting any 4 consecutive bases within chr5:38,505,962-38,505,967 gives the same sequence; the c. name uses the placement nearest the transcript's 3' end. VCF-style (leftmost placement, unchanged base first): chr5-38505961-GCATT-G. GRCh37 (hg19) VCF-style: chr5-38506063-GCATT-G.
Other names: c.1231_1234delAATG (NM_002310.5); c.1231_1234del, p.Asn411fs (NM_001364297.2, NM_001364298.2, NM_002310.6); short protein forms N411fs.
Identifiers: ClinVar variation 2734723 (VCV002734723.5), dbSNP rs2531044217, ClinGen allele CA1139532332.